The following is an entry in ClinVar:

NM_000156.6(GAMT):c.119C>G (p.Pro40Arg)

Genes: GAMT (guanidinoacetate N-methyltransferase; minus strand), LOC130062945 (ATAC-STARR-seq lymphoblastoid silent region 9707; plus strand). Cytogenetic location: 19p13.3.
Variant type: single nucleotide variant.
Coding change: c.119C>G on transcript NM_000156.6 (MANE Select); coding-DNA position 119, C replaced by G.
Protein change: p.Pro40Arg; replaces proline 40 with arginine.
Molecular consequence: missense variant.
Genome position (GRCh38, 1-based): chr19:1,401,358, G>C on the plus strand (C>G on the coding strand, the complement: GAMT is on the minus strand). VCF-style: chr19-1401358-G-C. GRCh37 (hg19) VCF-style: chr19-1401357-G-C.
Other names: c.119C>G (NM_000156.4); c.119C>G, p.Pro40Arg (NM_138924.3); short protein forms P40R.
Identifiers: ClinVar variation 2136398 (VCV002136398.2), dbSNP rs1222736128, ClinGen allele CA402998124.

ClinVar aggregate classification (germline): Uncertain significance. Review status: criteria provided, multiple submitters, no conflicts (2 of 4 stars). 2 submissions from 2 submitters: Uncertain significance (2). Last evaluated 2023-10-10.

Conditions:
Cerebral creatine deficiency syndrome. Also called: Creatine deficiency syndromes. Identifiers: Orphanet 79172, MedGen C5244016, MONDO:0000456.

Allele frequency attached by ClinVar (database versions not stated): TOPMed below 0.00001.
gnomAD v4.1: 2 of 1,530,032 alleles (0.00013%); highest among the groups gnomAD compares: Non-Finnish European, 0.00017%; no homozygotes.

Submissions (2):

GeneDx
Classification: Uncertain significance. Last evaluated: 2023-10-10. Review status: criteria provided, single submitter. Criteria: GeneDx Variant Classification Process June 2021. Collection method: clinical testing. Allele origin: germline. Affected: yes.
Comment: Not observed at significant frequency in large population cohorts (gnomAD); In silico analysis supports that this missense variant has a deleterious effect on protein structure/function; Has not been previously published as pathogenic or benign to our knowledge

Labcorp Genetics (formerly Invitae), Labcorp
Classification: Uncertain significance for Cerebral creatine deficiency syndrome. Last evaluated: 2022-01-20. Review status: criteria provided, single submitter. Criteria: Invitae Variant Classification Sherloc (09022015). Collection method: clinical testing. Allele origin: germline.
Comment: This sequence change replaces proline, which is neutral and non-polar, with arginine, which is basic and polar, at codon 40 of the GAMT protein (p.Pro40Arg). This variant is not present in population databases (gnomAD no frequency). This variant has not been reported in the literature in individuals affected with GAMT-related conditions. Algorithms developed to predict the effect of missense changes on protein structure and function are either unavailable or do not agree on the potential impact of this missense change (SIFT: "Deleterious"; PolyPhen-2: "Probably Damaging"; Align-GVGD: "Class C0"). In summary, the available evidence is currently insufficient to determine the role of this variant in disease. Therefore, it has been classified as a Variant of Uncertain Significance.